The following is an entry in ClinVar:

NM_201525.4(ADGRG1):c.1384del (p.Ala461_Leu462insTer)

Gene: ADGRG1 (adhesion G protein-coupled receptor G1; plus strand). Cytogenetic location: 16q21.
Variant type: Deletion.
Coding change: c.1384del on transcript NM_201525.4 (MANE Select); coding-DNA position 1384, one base deleted (C; older notation c.1384delC).
Protein change: p.Ala461_Leu462insTer.
Molecular consequence: nonsense.
Genome position (GRCh38, 1-based): chr16:57,659,510, C deleted; the last of 3 consecutive C bases (chr16:57,659,508-57,659,510); deleting any one gives the same sequence. VCF-style (leftmost placement, unchanged base first): chr16-57659507-GC-G. GRCh37 (hg19) VCF-style: chr16-57693419-GC-G.
Other names: c.1402delC (NM_005682.6); c.859del, p.Ala286_Leu287insTer (NM_001290144.2, NM_001370451.1, NM_001370453.1 and 1 more transcripts); c.1402del, p.Ala467_Leu468insTer (NM_001370428.1, NM_001370429.1, NM_001370430.1 and 4 more transcripts); c.1399del, p.Ala466_Leu467insTer (NM_001370433.1, NM_001370434.1, NM_001145773.3); c.1384del, p.Ala461_Leu462insTer (NM_001370435.1, NM_001370436.1, NM_001370437.1 and 7 more transcripts); c.1381del, p.Ala460_Leu461insTer (NM_001370441.1); c.1228del, p.Ala409_Leu410insTer (NM_001370442.1); c.892del, p.Ala297_Leu298insTer (NM_001290142.2); and 1 more.
Identifiers: ClinVar variation 1357876 (VCV001357876.7), dbSNP rs1362938038, ClinGen allele CA722053516.
Genomic context (GRCh38, chr16:57,659,507, plus strand): 5'-ATGAACCTGCTGCTGGCCGTCTTCCTGCTGGACACGAGCTTCCTGCTCAGCGAGCCGGTG[GC>G]CCTGACAGGCTCTGAGGCTGGCTGCCGAGCCAGTGCCATCTTCCTGCACTTCTCCCTGCT-3'

ClinVar aggregate classification (germline): Pathogenic/Likely pathogenic. Review status: criteria provided, multiple submitters, no conflicts (2 of 4 stars). 2 submissions from 2 submitters: Pathogenic (1); Likely pathogenic (1). Last evaluated 2025-12-16.

Conditions:
Bilateral frontoparietal polymicrogyria. Also called: CORTICAL DYSPLASIA, COMPLEX, WITH OTHER BRAIN MALFORMATIONS 14A (BILATERAL FRONTOPARIETAL); CEREBELLAR ATAXIA WITH NEURONAL MIGRATION DEFECT. Identifiers: Orphanet 101070, MedGen C1847352, MONDO:0011738, OMIM 606854.

Submissions (2):

Natera, Inc.
Classification: Likely pathogenic for Bilateral frontoparietal polymicrogyria. Last evaluated: 2025-12-16. Review status: criteria provided, single submitter. Criteria: Natera Variant Classification Schema (03/2026). Collection method: clinical testing. Allele origin: germline.
Comment: The c.1402delC variant in ADGRG1 is a frameshift variant predicted to shift the reading frame and introduce a stop codon. This variant is expected to result in nonsense mediated decay, truncation, or a dysfunctional protein product. This variant is rare in the general population with a frequency below the threshold expected for the associated phenotype(s). Given the available evidence, this variant is classified as Likely Pathogenic.

Labcorp Genetics (formerly Invitae), Labcorp
Classification: Pathogenic. Last evaluated: 2023-09-29. Review status: criteria provided, single submitter. Criteria: Invitae Variant Classification Sherloc (09022015). Collection method: clinical testing. Allele origin: germline.
Comment: This sequence change creates a premature translational stop signal (p.Leu468*) in the ADGRG1 gene. It is expected to result in an absent or disrupted protein product. Loss-of-function variants in ADGRG1 are known to be pathogenic (PMID: 15044805, 20929962). This variant is not present in population databases (gnomAD no frequency). This variant has not been reported in the literature in individuals affected with ADGRG1-related conditions. ClinVar contains an entry for this variant (Variation ID: 1357876). For these reasons, this variant has been classified as Pathogenic.

Literature cited by the submitters: PubMed 15044805 (cited by Labcorp Genetics (formerly Invitae), Labcorp); PubMed 20929962 (cited by Labcorp Genetics (formerly Invitae), Labcorp).